The following is an entry in ClinVar:

ClinVar aggregate classification (germline): Uncertain significance (1 of 4 stars; one submission).

Conditions:
Achondrogenesis, type IA (ACG1A). Identifiers: Orphanet 932, Orphanet 93299, MedGen C0265273, MONDO:0008701, OMIM 200600.

Allele frequency attached by ClinVar (database versions not stated): gnomAD exomes below 0.00001; TOPMed below 0.00001; ESP Exome Variant Server 0.00008.
gnomAD v4.1: 2 of 1,613,952 alleles (0.00012%); highest among the groups gnomAD compares: Non-Finnish European, 0.00017%; no homozygotes.

Submission:

Labcorp Genetics (formerly Invitae), Labcorp
Classification: Uncertain significance for Achondrogenesis, type IA. Last evaluated: 2022-10-05. Review status: criteria provided, single submitter. Criteria: Invitae Variant Classification Sherloc (09022015). Collection method: clinical testing. Allele origin: germline.
Comment: In summary, the available evidence is currently insufficient to determine the role of this variant in disease. Therefore, it has been classified as a Variant of Uncertain Significance. Algorithms developed to predict the effect of missense changes on protein structure and function output the following: SIFT: "Not Available"; PolyPhen-2: "Benign"; Align-GVGD: "Not Available". The glutamic acid amino acid residue is found in multiple mammalian species, which suggests that this missense change does not adversely affect protein function. ClinVar contains an entry for this variant (Variation ID: 1367588). This variant has not been reported in the literature in individuals affected with TRIP11-related conditions. This variant is present in population databases (rs149079426, gnomAD 0.0009%). This sequence change replaces glutamine with glutamic acid at codon 196 of the TRIP11 protein (p.Gln196Glu). The glutamine residue is highly conserved and there is a small physicochemical difference between glutamine and glutamic acid.

NM_004239.4(TRIP11):c.586C>G (p.Gln196Glu)

Gene: TRIP11 (thyroid hormone receptor interactor 11; minus strand). Cytogenetic location: 14q32.12.
Variant type: single nucleotide variant.
Coding change: c.586C>G on transcript NM_004239.4 (MANE Select); coding-DNA position 586, C replaced by G.
Protein change: p.Gln196Glu; replaces glutamine 196 with glutamic acid.
Molecular consequence: missense variant.
Genome position (GRCh38, 1-based): chr14:92,021,558, G>C on the plus strand (C>G on the coding strand, the complement: TRIP11 is on the minus strand). VCF-style: chr14-92021558-G-C. GRCh37 (hg19) VCF-style: chr14-92487902-G-C.
Other names: c.583C>G, p.Gln195Glu (NM_001321851.1); short protein forms Q195E, Q196E.
Identifiers: ClinVar variation 1367588 (VCV001367588.6), dbSNP rs149079426, ClinGen allele CA7314157.
Genomic context (GRCh38, chr14:92,021,558, plus strand): 5'-ATATTACACCAGTAATTTTACTCAAAGTTTTCAAAAACTCTAAAAAATTTTTATCTACCT[G>C]AGCAATATGCCTCCAATGGCCAACTTCAGACTCAAGTCTTGAAACTTCATTTGAGAGTCG-3'
Protein context (NP_004230.2, residues 186-206): SEVGHWRHIA[Gln196Glu]TSKAQGTDNS